The following is an entry in ClinVar:

ClinVar aggregate classification (germline): Likely pathogenic. Review status: criteria provided, multiple submitters, no conflicts (2 of 4 stars). 2 submissions from 2 submitters: Likely pathogenic (2). Last evaluated 2024-04-30.

Conditions:
DMD-related disorder. Also called: DMD-related condition.
Becker muscular dystrophy, Cardiomyopathy, Duchenne muscular dystrophy, Dystrophin deficiency.

Submissions (2):

Natera, Inc.
Classification: Likely pathogenic for Becker muscular dystrophy, Cardiomyopathy, Duchenne muscular dystrophy, Dystrophin deficiency. Last evaluated: 2024-04-30. Review status: criteria provided, single submitter. Criteria: Natera Variant Classification Schema (03/2026). Collection method: clinical testing. Allele origin: germline.
Comment: The c.1483-1G>A variant in DMD is a canonical splice acceptor site variant predicted to affect pre-mRNA splicing, which may result in an abnormal transcript and altered protein product. This variant may result in a truncated or dysfunctional protein product. This variant is rare in the general population with a frequency below the threshold expected for the associated phenotype(s). Another variant at this same site results in an alteration predicted to cause a similar molecular effect has been observed in individual(s) with the associated phenotype. Given the available evidence, this variant is classified as Likely Pathogenic.

Blueprint Genetics
Classification: Likely pathogenic for DMD-related disorders. Last evaluated: 2020-07-09. Review status: criteria provided, single submitter. Criteria: ACMG Guidelines, 2015. Collection method: clinical testing. Allele origin: germline. Affected: yes. Observed: 1 variant allele.

NM_004006.3(DMD):c.1483-1G>A

Gene: DMD (dystrophin; minus strand). Cytogenetic location: Xp21.1.
Variant type: single nucleotide variant.
Coding change: c.1483-1G>A on transcript NM_004006.3 (MANE Select); the canonical splice acceptor site of the intron before coding-DNA position 1483, G replaced by A.
Molecular consequence: splice acceptor variant.
Genome position (GRCh38, 1-based): chrX:32,595,877, C>T on the plus strand (G>A on the coding strand, the complement: DMD is on the minus strand). VCF-style: chrX-32595877-C-T. GRCh37 (hg19) VCF-style: chrX-32613994-C-T.
Other names: c.1459-1G>A (NM_000109.4); c.1471-1G>A (NM_004009.3); c.1114-1G>A (NM_004010.3).
Identifiers: ClinVar variation 4815298 (VCV004815298.2).
Genomic context (GRCh38, chrX:32,595,877, plus strand): 5'-CACCATGTGAGTGAGAGAATTGACCCTGACTTGTTCTTGTTCTAGATCTTCTTGAAGCAC[C>T]TGAAAGATAAAATGTTTTAAAGGAAATTAAAATGATATTCTTACATGTGTGTTGAAATGA-3'